The following is an entry in ClinVar:

ClinVar aggregate classification (germline): Uncertain significance (1 of 4 stars; one submission).

Submission:

Labcorp Genetics (formerly Invitae), Labcorp
Classification: Uncertain significance. Last evaluated: 2022-05-25. Review status: criteria provided, single submitter. Criteria: Invitae Variant Classification Sherloc (09022015). Collection method: clinical testing. Allele origin: germline.
Comment: This variant is a gross deletion of the genomic region encompassing exon(s) 3-6 of the NANS gene, which includes the termination codon. This deletion extends beyond the assayed region for this gene and therefore may encompass additional genes. While this deletion is not anticipated to lead to nonsense mediated decay, it is expected to alter mRNA translation or result in a truncated protein product. This variant has not been reported in the literature in individuals affected with NANS-related conditions. This variant disrupts a region of the NANS protein in which other variant(s) (p.Arg151His) have been observed in individuals with NANS-related conditions (PMID: 27213289). This suggests that this is a clinically significant region of the protein, and that variants that disrupt it are likely to be disease-causing. In summary, the available evidence is currently insufficient to determine the role of this variant in disease. Therefore, it has been classified as a Variant of Uncertain Significance.

Literature cited by the submitters: PubMed 27213289.

NC_000009.11:g.(?_100839180)_(100845337_?)del

Genes: NANS (N-acetylneuraminate synthase; plus strand), TRIM14 (tripartite motif containing 14; minus strand). Cytogenetic location: 9q22.33.
Variant type: Deletion.
Identifiers: ClinVar variation 2426501 (VCV002426501.4).